The following is an entry in ClinVar:

ClinVar aggregate classification (germline): Likely benign. Review status: criteria provided, multiple submitters, no conflicts (2 of 4 stars). 3 submissions from 3 submitters: Likely benign (3). Last evaluated 2025-11-13.

Conditions:
Familial cancer of breast. Also called: hereditary breast carcinoma; BREAST CANCER, FAMILIAL; Hereditary breast cancer. Identifiers: Orphanet 227535, MedGen C0346153, MONDO:0016419, OMIM 114480. Disease mechanism: loss of function.

Allele frequency attached by ClinVar (database versions not stated): gnomAD exomes below 0.00001.
gnomAD v4.1: 1 of 1,610,040 alleles (0.000062%); highest among the groups gnomAD compares: Non-Finnish European, 0.000085%; no homozygotes.

Submissions (3):

Labcorp Genetics (formerly Invitae), Labcorp
Classification: Likely benign for Familial cancer of breast. Last evaluated: 2025-11-13. Review status: criteria provided, single submitter. Criteria: Invitae Variant Classification Sherloc (09022015). Collection method: clinical testing. Allele origin: germline.

Center for Genomic Medicine, Rigshospitalet, Copenhagen University Hospital
Classification: Likely benign. Last evaluated: 2025-03-04. Review status: criteria provided, single submitter. Criteria: ACMG Guidelines, 2015. Collection method: clinical testing. Allele origin: germline.

Myriad Genetics, Inc.
Classification: Likely benign for Familial cancer of breast. Last evaluated: 2024-07-29. Review status: criteria provided, single submitter. Criteria: Myriad Autosomal Dominant, Autosomal Recessive and X-Linked Classification Criteria (2023). Collection method: clinical testing. Allele origin: unknown.
Comment: This variant is considered likely benign. This variant is intronic and is not expected to impact mRNA splicing.

NM_000465.4(BARD1):c.2001+9C>G

Gene: BARD1 (BRCA1 associated RING domain 1; minus strand). Cytogenetic location: 2q35.
Variant type: single nucleotide variant.
Coding change: c.2001+9C>G on transcript NM_000465.4 (MANE Select); 9 bases into the intron after coding-DNA position 2001, C replaced by G.
Molecular consequence: intron variant.
Genome position (GRCh38, 1-based): chr2:214,730,402, G>C on the plus strand (C>G on the coding strand, the complement: BARD1 is on the minus strand). VCF-style: chr2-214730402-G-C. GRCh37 (hg19) VCF-style: chr2-215595126-G-C.
Other names: c.591+9C>G (NM_001282548.2); c.1944+9C>G (NM_001282543.2); c.648+9C>G (NM_001282545.2); c.462+9C>G (NM_001282549.2).
Identifiers: ClinVar variation 1154415 (VCV001154415.13), dbSNP rs2105990348, ClinGen allele CA2499215604.
Genomic context (GRCh38, chr2:214,730,402, plus strand): 5'-TCTTCCTGATGGTGATAATAATAGTATGTCATAATAAGAACAATGAAAGTTGTATTAAAA[G>C]AAAAATACCAGCTGTTCTCTGTTGAGCCTGCTTCTGCGTGGACCTTCAGGAATTTCATAC-3'